The following is an entry in ClinVar:

NM_005499.3(UBA2):c.550C>A (p.His184Asn)

Gene: UBA2 (ubiquitin like modifier activating enzyme 2; plus strand). Cytogenetic location: 19q13.11.
Variant type: single nucleotide variant.
Coding change: c.550C>A on transcript NM_005499.3 (MANE Select); coding-DNA position 550, C replaced by A.
Protein change: p.His184Asn; replaces histidine 184 with asparagine.
Molecular consequence: missense variant.
Genome position (GRCh38, 1-based): chr19:34,438,735, C>A. VCF-style: chr19-34438735-C-A. GRCh37 (hg19) VCF-style: chr19-34929640-C-A.
Other names: c.262C>A, p.His88Asn (NM_001411139.1); short protein forms H88N, H184N.
Identifiers: ClinVar variation 5005961 (VCV005005961.2).

ClinVar aggregate classification (germline): Uncertain significance (1 of 4 stars; one submission).

Conditions:
ACCES syndrome (ACCES). Also called: APLASIA CUTIS CONGENITA WITH ECTRODACTYLY SKELETAL SYNDROME. Identifiers: MedGen C5677019, MONDO:0859262, OMIM 619959.

Submission:

Juno Genomics, Hangzhou Juno Genomics, Inc
Classification: Uncertain significance for ACCES syndrome. Review status: criteria provided, single submitter. Criteria: ACMG Guidelines, 2015. Collection method: clinical testing. Allele origin: germline.
Comment: Absent from controls (or at extremely low frequency if recessive) in Genome Aggregation Database.;De novo (both maternity and paternity confirmed) in a patient with the disease and no family history.